The following is an entry in ClinVar:

NM_000094.4(COL7A1):c.4572del (p.Gly1525fs)

Gene: COL7A1 (collagen type VII alpha 1 chain; minus strand). Cytogenetic location: 3p21.31.
Variant type: Deletion.
Coding change: c.4572del on transcript NM_000094.4 (MANE Select); coding-DNA position 4572, one base deleted (A; older notation c.4572delA).
Protein change: p.Gly1525fs; shifts the reading frame from glycine 1525.
Molecular consequence: frameshift variant.
Genome position (GRCh38, 1-based): chr3:48,582,505, T deleted on the plus strand (A on the coding strand, the reverse complement: COL7A1 is on the minus strand). VCF-style (leftmost placement, unchanged base first): chr3-48582504-CT-C. GRCh37 (hg19) VCF-style: chr3-48619937-CT-C.
Other names: short protein forms G1525fs.
Identifiers: ClinVar variation 4719862 (VCV004719862.1).

ClinVar aggregate classification (germline): Pathogenic (1 of 4 stars; one submission).

Submission:

Labcorp Genetics (formerly Invitae), Labcorp
Classification: Pathogenic. Last evaluated: 2025-05-19. Review status: criteria provided, single submitter. Criteria: Invitae Variant Classification Sherloc (09022015). Collection method: clinical testing. Allele origin: germline.
Comment: This sequence change creates a premature translational stop signal (p.Gly1525Aspfs*185) in the COL7A1 gene. It is expected to result in an absent or disrupted protein product. Loss-of-function variants in COL7A1 are known to be pathogenic (PMID: 16971478). This variant is not present in population databases (gnomAD no frequency). This variant has not been reported in the literature in individuals affected with COL7A1-related conditions. For these reasons, this variant has been classified as Pathogenic.

Literature cited by the submitters: PubMed 16971478.